The following is an entry in ClinVar:

ClinVar aggregate classification (germline): Uncertain significance. Review status: criteria provided, single submitter (1 of 4 stars). 2 submissions from 2 submitters: Uncertain significance (1). 1 of the submissions does not count toward it. Last evaluated 2021-08-12.

Conditions:
ERI1-related disorder. Also called: ERI1-related condition.

Allele frequency attached by ClinVar (database versions not stated): 1000 Genomes Project 30x 0.00031; ExAC 0.00060; ESP Exome Variant Server 0.00092.
gnomAD v4.1: 1,858 of 1,533,610 alleles (0.12%); highest among the groups gnomAD compares: Non-Finnish European, 0.16%; no homozygotes.

Submissions (2):

Ambry Genetics
Classification: Uncertain significance. Last evaluated: 2021-08-12. Review status: criteria provided, single submitter. Criteria: Ambry Variant Classification Scheme 2023. Collection method: clinical testing. Allele origin: germline.

PreventionGenetics, part of Exact Sciences
Classification: Likely benign for ERI1-related condition. Last evaluated: 2023-02-16. Review status: no assertion criteria provided. Collection method: clinical testing. Allele origin: germline. Not counted in ClinVar's aggregate classification.
Comment: This variant is classified as likely benign based on ACMG/AMP sequence variant interpretation guidelines (Richards et al. 2015 PMID: 25741868, with internal and published modifications).

NM_153332.4(ERI1):c.166T>C (p.Ser56Pro)

Gene: ERI1 (exoribonuclease 1). Cytogenetic location: 8p23.1.
Variant type: single nucleotide variant.
Coding change: c.166T>C on transcript NM_153332.4 (MANE Select); coding-DNA position 166, T replaced by C.
Protein change: p.Ser56Pro; replaces serine 56 with proline.
Molecular consequence: missense variant. On other transcripts: 5 prime UTR variant (2).
Genome position (GRCh38, 1-based): chr8:9,008,027, T>C. VCF-style: chr8-9008027-T-C. GRCh37 (hg19) VCF-style: chr8-8865537-T-C.
Other names: c.-69T>C (NM_001354635.2); c.-359T>C (NM_001354636.2); c.166T>C, p.Ser56Pro (NM_001354638.2); short protein forms S56P.
Identifiers: ClinVar variation 3058455 (VCV003058455.3), dbSNP rs150186258, ClinGen allele CA4619704.
Genomic context (GRCh38, chr8:9,008,027, plus strand): 5'-TAGGAAACTCAACAGTGTAAATTTGATGGCCAGGAGACAAAAGGATCCAAGTTCATTACC[T>C]CCAGTGCGAGTGACTTCAGTGACCCGGTTTACAAAGAGATTGCCATTACGAATGGCTGTA-3'
Protein context (NP_699163.2, residues 46-66): QETKGSKFIT[Ser56Pro]SASDFSDPVY